The following is an entry in ClinVar:

NM_018139.3(DNAAF2):c.532G>T (p.Val178Leu)

Gene: DNAAF2 (dynein axonemal assembly factor 2; minus strand). Cytogenetic location: 14q21.3.
Variant type: single nucleotide variant.
Coding change: c.532G>T on transcript NM_018139.3 (MANE Select); coding-DNA position 532, G replaced by T.
Protein change: p.Val178Leu; replaces valine 178 with leucine.
Molecular consequence: missense variant.
Genome position (GRCh38, 1-based): chr14:49,634,618, C>A on the plus strand (G>T on the coding strand, the complement: DNAAF2 is on the minus strand). VCF-style: chr14-49634618-C-A. GRCh37 (hg19) VCF-style: chr14-50101336-C-A.
Other names: c.532G>T, p.Val178Leu (NM_001083908.2); short protein forms V178L.
Identifiers: ClinVar variation 454912 (VCV000454912.6), dbSNP rs767502889, ClinGen allele CA7173092.

ClinVar aggregate classification (germline): Uncertain significance (1 of 4 stars; one submission).

Conditions:
Primary ciliary dyskinesia. Also called: Ciliary dyskinesia. Identifiers: Orphanet 244, MedGen C0008780, MONDO:0016575, HP:0012265.

Allele frequency attached by ClinVar (database versions not stated): gnomAD exomes below 0.00001; ExAC 0.00001; TOPMed 0.00001.

Submission:

Labcorp Genetics (formerly Invitae), Labcorp
Classification: Uncertain significance for Primary ciliary dyskinesia. Last evaluated: 2021-08-26. Review status: criteria provided, single submitter. Criteria: Invitae Variant Classification Sherloc (09022015). Collection method: clinical testing. Allele origin: germline.
Comment: This sequence change replaces valine with leucine at codon 178 of the DNAAF2 protein (p.Val178Leu). The valine residue is highly conserved and there is a small physicochemical difference between valine and leucine. The frequency data for this variant in the population databases is considered unreliable, as metrics indicate poor data quality at this position in the ExAC database. This variant has not been reported in the literature in individuals affected with DNAAF2-related conditions. Algorithms developed to predict the effect of missense changes on protein structure and function are either unavailable or do not agree on the potential impact of this missense change (SIFT: "Deleterious"; PolyPhen-2: "Probably Damaging"; Align-GVGD: "Class C0"). In summary, the available evidence is currently insufficient to determine the role of this variant in disease. Therefore, it has been classified as a Variant of Uncertain Significance.